The following is an entry in ClinVar:

ClinVar aggregate classification (germline): Uncertain significance (1 of 4 stars; one submission).

Conditions:
Hypertrophic cardiomyopathy 11. Also called: ACTC1-Related Familial Hypertrophic Cardiomyopathy. Identifiers: MedGen C2677506, MONDO:0012799, OMIM 612098.
Dilated cardiomyopathy 1R (CMD1R). Identifiers: Orphanet 154, Orphanet 54260, MedGen C3150681, MONDO:0013261, OMIM 613424.
Atrial septal defect 5 (ASD5). Identifiers: Orphanet 1478, MedGen C2748552, MONDO:0013011, OMIM 612794.

Submission:

Labcorp Genetics (formerly Invitae), Labcorp
Classification: Uncertain significance for Dilated cardiomyopathy 1R; Hypertrophic cardiomyopathy 11; Atrial septal defect 5. Last evaluated: 2022-12-09. Review status: criteria provided, single submitter. Criteria: Invitae Variant Classification Sherloc (09022015). Collection method: clinical testing. Allele origin: germline.
Comment: In summary, the available evidence is currently insufficient to determine the role of this variant in disease. Therefore, it has been classified as a Variant of Uncertain Significance. Advanced modeling of protein sequence and biophysical properties (such as structural, functional, and spatial information, amino acid conservation, physicochemical variation, residue mobility, and thermodynamic stability) performed at Invitae indicates that this missense variant is not expected to disrupt ACTC1 protein function. This sequence change replaces proline, which is neutral and non-polar, with alanine, which is neutral and non-polar, at codon 260 of the ACTC1 protein (p.Pro260Ala). This variant is not present in population databases (gnomAD no frequency). This variant has not been reported in the literature in individuals affected with ACTC1-related conditions.

NM_005159.5(ACTC1):c.778C>G (p.Pro260Ala)

Genes: GJD2-DT (GJD2 divergent transcript; plus strand), ACTC1 (actin alpha cardiac muscle 1; minus strand). Cytogenetic location: 15q14.
Variant type: single nucleotide variant.
Coding change: c.778C>G on transcript NM_005159.5 (MANE Select); coding-DNA position 778, C replaced by G.
Protein change: p.Pro260Ala; replaces proline 260 with alanine.
Molecular consequence: missense variant.
Genome position (GRCh38, 1-based): chr15:34,792,120, G>C on the plus strand (C>G on the coding strand, the complement: ACTC1 is on the minus strand). VCF-style: chr15-34792120-G-C. GRCh37 (hg19) VCF-style: chr15-35084321-G-C.
Other names: c.778C>G, p.Pro260Ala (NM_001406482.1, NM_001406483.1); c.643C>G, p.Pro215Ala (NM_001406484.1); c.337C>G, p.Pro113Ala (NM_001406485.1); short protein forms P113A, P215A, P260A.
Identifiers: ClinVar variation 2942164 (VCV002942164.3), dbSNP rs2504179867, ClinGen allele CA391629754.
Genomic context (GRCh38, chr15:34,792,120, plus strand): 5'-CGTGCCTCTGCACCAGACCCTACAACTCACCAATGAAGGAGGGCTGGAAGAGTGTCTCAG[G>C]ACAGCGGAAGCGCTCATTGCCAATAGTGATGACTTGGCCATCAGGCAGTTCATAGCTCTT-3'
Protein context (NP_005150.1, residues 250-270): ITIGNERFRC[Pro260Ala]ETLFQPSFIG